The following is an entry in ClinVar:

ClinVar aggregate classification (germline): Pathogenic. Review status: criteria provided, multiple submitters, no conflicts (2 of 4 stars). 2 submissions from 2 submitters: Pathogenic (2). Last evaluated 2025-03-31.

Conditions:
Familial adenomatous polyposis 1 (FAP1). Also called: FAMILIAL ADENOMATOUS POLYPOSIS 1, ATTENUATED; POLYPOSIS, ADENOMATOUS INTESTINAL. Identifiers: MedGen C2713442, MONDO:0021056, OMIM 175100. Disease mechanism: loss of function.
Hereditary cancer-predisposing syndrome. Also called: Hereditary neoplastic syndrome; Tumor predisposition; Hereditary Cancer Syndrome; Neoplastic Syndromes, Hereditary. Identifiers: Orphanet 140162, MedGen C0027672, MeSH D009386, MONDO:0015356.

Submissions (2):

Ambry Genetics
Classification: Pathogenic for Hereditary cancer-predisposing syndrome. Last evaluated: 2025-03-31. Review status: criteria provided, single submitter. Criteria: Ambry Variant Classification Scheme 2023. Collection method: clinical testing. Allele origin: germline.
Comment: The c.1774_1787del14 pathogenic mutation, located in coding exon 14 of the APC gene, results from a deletion of 14 nucleotides at nucleotide positions 1774 to 1787, causing a translational frameshift with a predicted alternate stop codon (p.L592Sfs*5). This variant is considered to be rare based on population cohorts in the Genome Aggregation Database (gnomAD). This alteration is expected to result in loss of function by premature protein truncation or nonsense-mediated mRNA decay. As such, this alteration is interpreted as a disease-causing mutation.

Myriad Genetics, Inc.
Classification: Pathogenic for Familial adenomatous polyposis 1. Last evaluated: 2023-05-03. Review status: criteria provided, single submitter. Criteria: Myriad Autosomal Dominant, Autosomal Recessive and X-Linked Classification Criteria (2023). Collection method: clinical testing. Allele origin: unknown.
Comment: This variant is considered pathogenic. This variant creates a frameshift predicted to result in premature protein truncation.

NM_000038.6(APC):c.1774_1787del (p.Leu592fs)

Gene: APC (APC regulator of Wnt signaling pathway; plus strand). Cytogenetic location: 5q22.2.
Variant type: Deletion.
Coding change: c.1774_1787del on transcript NM_000038.6 (MANE Select); coding-DNA positions 1774 to 1787, 14 bases deleted (TTATGGAATTTGTC).
Protein change: p.Leu592fs; shifts the reading frame from leucine 592.
Molecular consequence: frameshift variant. On other transcripts: non-coding transcript variant (2).
Genome position (GRCh38, 1-based): chr5:112,834,981-112,834,994, TTATGGAATTTGTC deleted; deleting any 14 consecutive bases within chr5:112,834,980-112,834,994 gives the same sequence; the c. name uses the placement nearest the transcript's 3' end. VCF-style (leftmost placement, unchanged base first): chr5-112834979-CCTTATGGAATTTGT-C. GRCh37 (hg19) VCF-style: chr5-112170676-CCTTATGGAATTTGT-C.
Other names: c.1774_1787del14 (NM_000038.5); c.1774_1787del, p.Leu592fs (NM_001127510.3, NM_001354895.2, NM_001407450.1); c.1720_1733del, p.Leu574fs (NM_001127511.3); c.1828_1841del, p.Leu610fs (NM_001354896.2, NM_001407447.1, NM_001407448.1 and 1 more transcripts); c.1804_1817del, p.Leu602fs (NM_001354897.2); c.1699_1712del, p.Leu567fs (NM_001354898.2); c.1690_1703del, p.Leu564fs (NM_001354899.2); c.1651_1664del, p.Leu551fs (NM_001354900.2); and 12 more; short protein forms L208fs, L309fs, L432fs, L463fs, L466fs, L491fs, L501fs, L509fs.
Identifiers: ClinVar variation 2583865 (VCV002583865.2), dbSNP rs2533333129, ClinGen allele CA2582341316.